The following is an entry in ClinVar:

ClinVar aggregate classification (germline): Uncertain significance (1 of 4 stars; one submission).

Conditions:
Cardiomyopathy, familial hypertrophic, 28. Identifiers: MedGen C5543616, MONDO:0030317, OMIM 619402.

Submission:

Diagnostics Services (NGS), CSIR - Centre For Cellular And Molecular Biology
Classification: Uncertain significance for Cardiomyopathy, familial hypertrophic, 28. Last evaluated: 2024-09-05. Review status: criteria provided, single submitter. Criteria: ACMG Guidelines, 2015. Collection method: clinical testing. Allele origin: unknown. Affected: yes. Observed: 1 variant allele, 1 heterozygote.
Comment: The c.1927_1929del variant is not present in publicly available population databases like 1000 Genomes, EVS, ExAC, gnomAD, Indian Exome Database or our in-house exome database. The variant has neither been published in the literature in individuals affected with FHOD3-related conditions nor reported to clinical databases like ClinVar, Human Gene Mutation Database (HGMD) or OMIM, in any affected individuals. In-silico pathogenicity prediction programs like MutationTaster2, CADD, etc predicted these variants to be likely deleterious however these predictions were not confirmed by published functional studies. This variant is located in a non-repeat region of the gene which causes in-frame deletion of 3 bp that may result in changing protein-coding length by deleting a single amino acid.

NM_001281740.3(FHOD3):c.1924GAA[1] (p.Glu643del)

Gene: FHOD3 (formin homology 2 domain containing 3; plus strand). Cytogenetic location: 18q12.2.
Variant type: Microsatellite.
Coding change: c.1924GAA[1] on transcript NM_001281740.3 (MANE Select); one copy of the 3-base unit GAA starting at c.1924; the reference has two copies in a row; one copy, 3 bases deleted; also written c.1927_1929del.
Protein change: p.Glu643del; deletes glutamic acid 643.
Molecular consequence: inframe deletion.
Genome position (GRCh38, 1-based): chr18:36,681,527-36,681,529, GAA deleted; deleting any 3 consecutive bases within chr18:36,681,523-36,681,529 gives the same sequence; the position shown is the placement nearest the transcript's 3' end. VCF-style (leftmost placement, unchanged base first): chr18-36681522-GAGA-G. GRCh37 (hg19) VCF-style: chr18-34261485-GAGA-G.
Other names: c.1399GAA[1], p.Glu468del (NM_001281739.3, NM_025135.5); c.1927_1929del (NM_001281740.3); short protein forms E468del, E643del.
Identifiers: ClinVar variation 3340510 (VCV003340510.1).
Genomic context (GRCh38, chr18:36,681,522, plus strand): 5'-CATCCTTCAGGCAGCACCAAGAGTCACTGGCAGCAGAGAGAGAGAGGCGGCGGCAGGAGA[GAGA>G]AGAAAGGTTGCAGAGAATAGAGCGGGAAGAAAGAAACAAATTCAGGTAAGAAGGATCTTA-3'